The following is an entry in ClinVar:

ClinVar aggregate classification (germline): Uncertain significance (1 of 4 stars; one submission).

Conditions:
Fanconi anemia complementation group J. Also called: BRIP1-Related Fanconi Anemia. Identifiers: Orphanet 84, MedGen C1836860, MONDO:0012187, OMIM 609054.
Familial cancer of breast. Also called: BREAST CANCER, FAMILIAL; Hereditary breast cancer; hereditary breast carcinoma. Identifiers: Orphanet 227535, MedGen C0346153, MONDO:0016419, OMIM 114480. Disease mechanism: loss of function.

Submission:

Labcorp Genetics (formerly Invitae), Labcorp
Classification: Uncertain significance for Familial cancer of breast; Fanconi anemia complementation group J. Last evaluated: 2024-12-12. Review status: criteria provided, single submitter. Criteria: Invitae Variant Classification Sherloc (09022015). Collection method: clinical testing. Allele origin: germline.
Comment: This sequence change replaces proline, which is neutral and non-polar, with arginine, which is basic and polar, at codon 23 of the BRIP1 protein (p.Pro23Arg). This variant is not present in population databases (gnomAD no frequency). This variant has not been reported in the literature in individuals affected with BRIP1-related conditions. ClinVar contains an entry for this variant (Variation ID: 2945930). Invitae Evidence Modeling of protein sequence and biophysical properties (such as structural, functional, and spatial information, amino acid conservation, physicochemical variation, residue mobility, and thermodynamic stability) has been performed for this missense variant. However, the output from this modeling did not meet the statistical confidence thresholds required to predict the impact of this variant on BRIP1 protein function. In summary, the available evidence is currently insufficient to determine the role of this variant in disease. Therefore, it has been classified as a Variant of Uncertain Significance.

NM_032043.3(BRIP1):c.68C>G (p.Pro23Arg)

Gene: BRIP1 (BRCA1 interacting DNA helicase 1; minus strand). Cytogenetic location: 17q23.2.
Variant type: single nucleotide variant.
Coding change: c.68C>G on transcript NM_032043.3 (MANE Select); coding-DNA position 68, C replaced by G.
Protein change: p.Pro23Arg; replaces proline 23 with arginine.
Molecular consequence: missense variant.
Genome position (GRCh38, 1-based): chr17:61,861,472, G>C on the plus strand (C>G on the coding strand, the complement: BRIP1 is on the minus strand). VCF-style: chr17-61861472-G-C. GRCh37 (hg19) VCF-style: chr17-59938833-G-C.
Other names: short protein forms P23R.
Identifiers: ClinVar variation 2945930 (VCV002945930.3), dbSNP rs1292425366, ClinGen allele CA400485950.